The following is an entry in ClinVar:

NM_000782.5(CYP24A1):c.116G>T (p.Arg39Leu)

Gene: CYP24A1 (cytochrome P450 family 24 subfamily A member 1; minus strand). Cytogenetic location: 20q13.2.
Variant type: single nucleotide variant.
Coding change: c.116G>T on transcript NM_000782.5 (MANE Select); coding-DNA position 116, G replaced by T.
Protein change: p.Arg39Leu; replaces arginine 39 with leucine.
Molecular consequence: missense variant.
Genome position (GRCh38, 1-based): chr20:54,173,464, C>A on the plus strand (G>T on the coding strand, the complement: CYP24A1 is on the minus strand). VCF-style: chr20-54173464-C-A. GRCh37 (hg19) VCF-style: chr20-52790003-C-A.
Other names: c.116G>T, p.Arg39Leu (NM_001128915.2); short protein forms R39L.
Identifiers: ClinVar variation 2154023 (VCV002154023.4), dbSNP rs746336182, ClinGen allele CA409393851.

ClinVar aggregate classification (germline): Uncertain significance (1 of 4 stars; one submission).

gnomAD v4.1: 3 of 1,566,868 alleles (0.00019%); highest among the groups gnomAD compares: South Asian, 0.0012%; no homozygotes.

Submission:

Labcorp Genetics (formerly Invitae), Labcorp
Classification: Uncertain significance. Last evaluated: 2023-08-04. Review status: criteria provided, single submitter. Criteria: Invitae Variant Classification Sherloc (09022015). Collection method: clinical testing. Allele origin: germline.
Comment: This variant has not been reported in the literature in individuals affected with CYP24A1-related conditions. In summary, the available evidence is currently insufficient to determine the role of this variant in disease. Therefore, it has been classified as a Variant of Uncertain Significance. Advanced modeling of protein sequence and biophysical properties (such as structural, functional, and spatial information, amino acid conservation, physicochemical variation, residue mobility, and thermodynamic stability) has been performed at Invitae for this missense variant, however the output from this modeling did not meet the statistical confidence thresholds required to predict the impact of this variant on CYP24A1 protein function. ClinVar contains an entry for this variant (Variation ID: 2154023). This variant is not present in population databases (gnomAD no frequency). This sequence change replaces arginine, which is basic and polar, with leucine, which is neutral and non-polar, at codon 39 of the CYP24A1 protein (p.Arg39Leu).